The following is an entry in ClinVar:

NM_020706.2(SCAF4):c.3157T>C (p.Ser1053Pro)

Gene: SCAF4 (SR-related CTD associated factor 4; minus strand). Cytogenetic location: 21q22.11.
Variant type: single nucleotide variant.
Coding change: c.3157T>C on transcript NM_020706.2 (MANE Select); coding-DNA position 3157, T replaced by C.
Protein change: p.Ser1053Pro; replaces serine 1053 with proline.
Molecular consequence: missense variant.
Genome position (GRCh38, 1-based): chr21:31,671,686, A>G on the plus strand (T>C on the coding strand, the complement: SCAF4 is on the minus strand). VCF-style: chr21-31671686-A-G. GRCh37 (hg19) VCF-style: chr21-33043999-A-G.
Other names: c.3112T>C, p.Ser1038Pro (NM_001145444.1); c.3091T>C, p.Ser1031Pro (NM_001145445.1); short protein forms S1031P, S1038P, S1053P.
Identifiers: ClinVar variation 2507174 (VCV002507174.1), dbSNP rs2516671735, ClinGen allele CA410039092.

ClinVar aggregate classification (germline): Uncertain significance (1 of 4 stars; one submission).

Submission:

GeneDx
Classification: Uncertain significance. Last evaluated: 2023-01-03. Review status: criteria provided, single submitter. Criteria: GeneDx Variant Classification Process June 2021. Collection method: clinical testing. Allele origin: germline. Affected: yes.
Comment: Not observed at significant frequency in large population cohorts (gnomAD); In silico analysis supports that this missense variant does not alter protein structure/function; Has not been previously published as pathogenic or benign to our knowledge